The following is an entry in ClinVar:

NM_002291.3(LAMB1):c.1702G>T (p.Val568Phe)

Gene: LAMB1 (laminin subunit beta 1; minus strand). Cytogenetic location: 7q31.1.
Variant type: single nucleotide variant.
Coding change: c.1702G>T on transcript NM_002291.3 (MANE Select); coding-DNA position 1702, G replaced by T.
Protein change: p.Val568Phe; replaces valine 568 with phenylalanine.
Molecular consequence: missense variant.
Genome position (GRCh38, 1-based): chr7:107,963,060, C>A on the plus strand (G>T on the coding strand, the complement: LAMB1 is on the minus strand). VCF-style: chr7-107963060-C-A. GRCh37 (hg19) VCF-style: chr7-107603505-C-A.
Other names: short protein forms V568F.
Identifiers: ClinVar variation 2119162 (VCV002119162.4), dbSNP rs764230801, ClinGen allele CA4435907.
Genomic context (GRCh38, chr7:107,963,060, plus strand): 5'-AGCCGGCTCCAGTCCAGGAGGGAATCCGGTCCTGGATATATTGCCGCTCCACTATGCTAA[C>A]CCCCTGAGGGCATGGCAAACAATGGTTATTCTGTATTTGAAATGGAATTCAATAATTTTC-3'
Protein context (NP_002282.2, residues 558-578): EAEEANLGPG[Val568Phe]SIVERQYIQD

ClinVar aggregate classification (germline): Uncertain significance (1 of 4 stars; one submission).

Allele frequency attached by ClinVar (database versions not stated): TOPMed below 0.00001; gnomAD exomes 0.00001; gnomAD 0.00002; ExAC 0.00003.
gnomAD v4.1: 11 of 1,606,470 alleles (0.00068%); highest among the groups gnomAD compares: South Asian, 0.0089%; 1 homozygote.

Submission:

Labcorp Genetics (formerly Invitae), Labcorp
Classification: Uncertain significance. Last evaluated: 2024-02-23. Review status: criteria provided, single submitter. Criteria: Invitae Variant Classification Sherloc (09022015). Collection method: clinical testing. Allele origin: germline.
Comment: This sequence change replaces valine, which is neutral and non-polar, with phenylalanine, which is neutral and non-polar, at codon 568 of the LAMB1 protein (p.Val568Phe). This variant is present in population databases (rs764230801, gnomAD 0.01%). This variant has not been reported in the literature in individuals affected with LAMB1-related conditions. ClinVar contains an entry for this variant (Variation ID: 2119162). An algorithm developed to predict the effect of missense changes on protein structure and function (PolyPhen-2) suggests that this variant is likely to be disruptive. In summary, the available evidence is currently insufficient to determine the role of this variant in disease. Therefore, it has been classified as a Variant of Uncertain Significance.